The following is an entry in ClinVar:

ClinVar aggregate classification (germline): Uncertain significance (1 of 4 stars; one submission).

Conditions:
Hereditary cancer-predisposing syndrome. Also called: Tumor predisposition; Hereditary Cancer Syndrome; Hereditary neoplastic syndrome; Neoplastic Syndromes, Hereditary. Identifiers: Orphanet 140162, MedGen C0027672, MeSH D009386, MONDO:0015356.

Submission:

Ambry Genetics
Classification: Uncertain significance for Hereditary cancer-predisposing syndrome. Last evaluated: 2024-03-28. Review status: criteria provided, single submitter. Criteria: Ambry Variant Classification Scheme 2023. Collection method: clinical testing. Allele origin: germline.
Comment: The p.I1145S variant (also known as c.3434T>G), located in coding exon 28 of the POLE gene, results from a T to G substitution at nucleotide position 3434. The isoleucine at codon 1145 is replaced by serine, an amino acid with dissimilar properties. This amino acid position is conserved. In addition, this alteration is predicted to be deleterious by in silico analysis. Based on the available evidence, the clinical significance of this alteration remains unclear.

NM_006231.4(POLE):c.3434T>G (p.Ile1145Ser)

Gene: POLE (DNA polymerase epsilon, catalytic subunit; minus strand). Cytogenetic location: 12q24.33.
Variant type: single nucleotide variant.
Coding change: c.3434T>G on transcript NM_006231.4 (MANE Select); coding-DNA position 3434, T replaced by G.
Protein change: p.Ile1145Ser; replaces isoleucine 1145 with serine.
Molecular consequence: missense variant.
Genome position (GRCh38, 1-based): chr12:132,657,374, A>C on the plus strand (T>G on the coding strand, the complement: POLE is on the minus strand). VCF-style: chr12-132657374-A-C. GRCh37 (hg19) VCF-style: chr12-133233960-A-C.
Other names: short protein forms I1145S.
Identifiers: ClinVar variation 3308362 (VCV003308362.1).